The following is an entry in ClinVar:

ClinVar aggregate classification (germline): Likely benign. Review status: criteria provided, multiple submitters, no conflicts (2 of 4 stars). 5 submissions from 5 submitters: Likely benign (3). 2 of the submissions do not count toward it. Last evaluated 2025-12-01.

Conditions:
CDH23-related disorder. Also called: CDH23-related condition; CDH23-related disorders.
Usher syndrome type 1 (USH1). Also called: RETINITIS PIGMENTOSA AND CONGENITAL DEAFNESS. Identifiers: Orphanet 231169, Orphanet 886, MedGen C1568247, MONDO:0010168, OMIM 276900.

Allele frequency attached by ClinVar (database versions not stated): gnomAD exomes 0.00002 and 0.00003; ExAC 0.00004; gnomAD 0.00005; TOPMed 0.00007; ESP Exome Variant Server 0.00008.
gnomAD v4.1: 36 of 1,610,720 alleles (0.0022%); highest among the groups gnomAD compares: East Asian, 0.0089%; no homozygotes.

Submissions (5):

Labcorp Genetics (formerly Invitae), Labcorp
Classification: Likely benign. Last evaluated: 2025-12-01. Review status: criteria provided, single submitter. Criteria: Invitae Variant Classification Sherloc (09022015). Collection method: clinical testing. Allele origin: germline.

Blueprint Genetics
Classification: Likely benign. Last evaluated: 2024-06-18. Review status: criteria provided, single submitter. Criteria: ACMG Guidelines, 2015. Collection method: clinical testing. Allele origin: germline.

CeGaT Center for Human Genetics Tuebingen
Classification: Likely benign. Last evaluated: 2022-07-01. Review status: criteria provided, single submitter. Criteria: CeGaT Center For Human Genetics Tuebingen Variant Classification Criteria Version 2. Collection method: clinical testing. Allele origin: germline. Affected: yes. Observed: 1 variant allele.
Comment: CDH23: BP4, BP7

Natera, Inc.
Classification: Uncertain significance for Usher syndrome type 1. Last evaluated: 2020-03-17. Review status: no assertion criteria provided. Collection method: clinical testing. Allele origin: germline. Not counted in ClinVar's aggregate classification.

PreventionGenetics, part of Exact Sciences
Classification: Likely benign for CDH23-related condition. Last evaluated: 2019-02-26. Review status: no assertion criteria provided. Collection method: clinical testing. Allele origin: germline. Not counted in ClinVar's aggregate classification.
Comment: This variant is classified as likely benign based on ACMG/AMP sequence variant interpretation guidelines (Richards et al. 2015 PMID: 25741868, with internal and published modifications).

NM_022124.6(CDH23):c.4854G>A (p.Thr1618=)

Gene: CDH23 (cadherin related 23; plus strand). Cytogenetic location: 10q22.1.
Variant type: single nucleotide variant.
Coding change: c.4854G>A on transcript NM_022124.6 (MANE Select); coding-DNA position 4854, G replaced by A.
Protein change: p.Thr1618=; no amino-acid change (threonine 1618 retained).
Molecular consequence: synonymous variant.
Genome position (GRCh38, 1-based): chr10:71,777,688, G>A. VCF-style: chr10-71777688-G-A. GRCh37 (hg19) VCF-style: chr10-73537445-G-A.
Identifiers: ClinVar variation 752474 (VCV000752474.37), dbSNP rs376538879, ClinGen allele CA5545570.
Genomic context (GRCh38, chr10:71,777,688, plus strand): 5'-CCTTGGTCCCTCTGGCCACCTGACCAAGGACGTGACCCACTCTTTTCCACAGGCCACCAC[G>A]CACGTGTACGTGACCATTGTGGATGAGAATGATAACGCGCCCATGTTCCAGCAGCCCCAC-3'
Protein context (NP_071407.4, residues 1608-1628): DEGTPTLSAT[Thr1618=]HVYVTIVDEN